The following is an entry in ClinVar:

NM_080680.3(COL11A2):c.97G>A (p.Asp33Asn)

Gene: COL11A2 (collagen type XI alpha 2 chain; minus strand). Cytogenetic location: 6p21.32.
Variant type: single nucleotide variant.
Coding change: c.97G>A on transcript NM_080680.3 (MANE Select); coding-DNA position 97, G replaced by A.
Protein change: p.Asp33Asn; replaces aspartic acid 33 with asparagine.
Molecular consequence: missense variant.
Genome position (GRCh38, 1-based): chr6:33,189,455, C>T on the plus strand (G>A on the coding strand, the complement: COL11A2 is on the minus strand). VCF-style: chr6-33189455-C-T. GRCh37 (hg19) VCF-style: chr6-33157232-C-T.
Other names: c.97G>A, p.Asp33Asn (NM_001163771.2, NM_080679.3, NM_080681.3); short protein forms D33N.
Identifiers: ClinVar variation 637964 (VCV000637964.6), dbSNP rs1268538634, ClinGen allele CA363613492.

ClinVar aggregate classification (germline): Uncertain significance. Review status: criteria provided, multiple submitters, no conflicts (2 of 4 stars). 2 submissions from 2 submitters: Uncertain significance (2). Last evaluated 2023-11-09.

Conditions:
Autosomal dominant nonsyndromic hearing loss 13. Identifiers: Orphanet 90635, MedGen C1866095, MONDO:0011159, OMIM 601868.

Allele frequency attached by ClinVar (database versions not stated): gnomAD 0.00001; TOPMed 0.00002.

Submissions (2):

Labcorp Genetics (formerly Invitae), Labcorp
Classification: Uncertain significance. Last evaluated: 2023-11-09. Review status: criteria provided, single submitter. Criteria: Invitae Variant Classification Sherloc (09022015). Collection method: clinical testing. Allele origin: germline.
Comment: This sequence change replaces aspartic acid, which is acidic and polar, with asparagine, which is neutral and polar, at codon 33 of the COL11A2 protein (p.Asp33Asn). This variant is not present in population databases (gnomAD no frequency). This variant has not been reported in the literature in individuals affected with COL11A2-related conditions. ClinVar contains an entry for this variant (Variation ID: 637964). Advanced modeling of protein sequence and biophysical properties (such as structural, functional, and spatial information, amino acid conservation, physicochemical variation, residue mobility, and thermodynamic stability) performed at Invitae indicates that this missense variant is not expected to disrupt COL11A2 protein function with a negative predictive value of 95%. In summary, the available evidence is currently insufficient to determine the role of this variant in disease. Therefore, it has been classified as a Variant of Uncertain Significance.

MVZ Martinsried, Medicover Genetics
Classification: Uncertain significance for Autosomal dominant nonsyndromic hearing loss 13. Last evaluated: 2018-08-14. Review status: criteria provided, single submitter. Criteria: ACMG Guidelines, 2015. Collection method: clinical testing. Allele origin: unknown. Affected: yes.